The following is an entry in ClinVar:

NM_005609.4(PYGM):c.1761_1765del (p.Tyr588fs)

Gene: PYGM (glycogen phosphorylase, muscle associated; minus strand). Cytogenetic location: 11q13.1.
Variant type: Deletion.
Coding change: c.1761_1765del on transcript NM_005609.4 (MANE Select); coding-DNA positions 1761 to 1765, 5 bases deleted (GTACA; older notation c.1761_1765delGTACA).
Protein change: p.Tyr588fs; shifts the reading frame from tyrosine 588.
Molecular consequence: frameshift variant.
Genome position (GRCh38, 1-based): chr11:64,751,927-64,751,931, TGTAC deleted on the plus strand (GTACA on the coding strand, the reverse complement: PYGM is on the minus strand). VCF-style (leftmost placement, unchanged base first): chr11-64751926-TTGTAC-T. GRCh37 (hg19) VCF-style: chr11-64519398-TTGTAC-T.
Other names: c.1497_1501del, p.Tyr500fs (NM_001164716.1); short protein forms Y500fs, Y588fs.
Identifiers: ClinVar variation 2044261 (VCV002044261.4), dbSNP rs2496652253, ClinGen allele CA2580084639.

ClinVar aggregate classification (germline): Pathogenic (1 of 4 stars; one submission).

Conditions:
Glycogen storage disease, type V (GSD5). Also called: MCARDLE DISEASE; MUSCLE GLYCOGEN PHOSPHORYLASE DEFICIENCY; MYOPHOSPHORYLASE DEFICIENCY; PYGM DEFICIENCY; McArdle type glycogen storage disease. Identifiers: Orphanet 368, MedGen C0017924, MONDO:0009293, OMIM 232600.

Submission:

Labcorp Genetics (formerly Invitae), Labcorp
Classification: Pathogenic for Glycogen storage disease, type V. Last evaluated: 2021-12-16. Review status: criteria provided, single submitter. Criteria: Invitae Variant Classification Sherloc (09022015). Collection method: clinical testing. Allele origin: germline.
Comment: This sequence change creates a premature translational stop signal (p.Tyr588Profs*8) in the PYGM gene. It is expected to result in an absent or disrupted protein product. Loss-of-function variants in PYGM are known to be pathogenic (PMID: 8316268, 16786513). For these reasons, this variant has been classified as Pathogenic. This premature translational stop signal has been observed in individual(s) with glycogen storage disease (Invitae). This variant is not present in population databases (gnomAD no frequency).

Literature cited by the submitters: PubMed 8316268; PubMed 16786513.